The following is an entry in ClinVar:

ClinVar aggregate classification (germline): Conflicting classifications of pathogenicity. Review status: criteria provided, conflicting classifications (1 of 4 stars). 2 submissions from 2 submitters: Uncertain significance (1); Likely benign (1). Last evaluated 2023-12-20.

Conditions:
Inborn genetic diseases. Identifiers: MedGen C0950123, MeSH D030342.

Allele frequency attached by ClinVar (database versions not stated): ExAC 0.00001; gnomAD 0.00001; gnomAD exomes 0.00001.
gnomAD v4.1: 15 of 1,613,882 alleles (0.00093%); highest among the groups gnomAD compares: African/African-American, 0.0013%; no homozygotes.

Submissions (2):

Ambry Genetics
Classification: Likely benign for Inborn genetic diseases. Last evaluated: 2023-12-20. Review status: criteria provided, single submitter. Criteria: Ambry Variant Classification Scheme 2023. Collection method: clinical testing. Allele origin: germline.

Labcorp Genetics (formerly Invitae), Labcorp
Classification: Uncertain significance. Last evaluated: 2023-12-15. Review status: criteria provided, single submitter. Criteria: Invitae Variant Classification Sherloc (09022015). Collection method: clinical testing. Allele origin: germline.
Comment: This sequence change replaces lysine, which is basic and polar, with asparagine, which is neutral and polar, at codon 23 of the NARS2 protein (p.Lys23Asn). This variant is present in population databases (rs763911960, gnomAD 0.0009%). This variant has not been reported in the literature in individuals affected with NARS2-related conditions. Algorithms developed to predict the effect of missense changes on protein structure and function output the following: SIFT: "Not Available"; PolyPhen-2: "Benign"; Align-GVGD: "Not Available". The asparagine amino acid residue is found in multiple mammalian species, which suggests that this missense change does not adversely affect protein function. In summary, the available evidence is currently insufficient to determine the role of this variant in disease. Therefore, it has been classified as a Variant of Uncertain Significance.

NM_024678.6(NARS2):c.69A>C (p.Lys23Asn)

Gene: NARS2 (asparaginyl-tRNA synthetase 2, mitochondrial; minus strand). Cytogenetic location: 11q14.1.
Variant type: single nucleotide variant.
Coding change: c.69A>C on transcript NM_024678.6 (MANE Select); coding-DNA position 69, A replaced by C.
Protein change: p.Lys23Asn; replaces lysine 23 with asparagine.
Molecular consequence: missense variant. On other transcripts: intron variant (1).
Genome position (GRCh38, 1-based): chr11:78,574,420, T>G on the plus strand (A>C on the coding strand, the complement: NARS2 is on the minus strand). VCF-style: chr11-78574420-T-G. GRCh37 (hg19) VCF-style: chr11-78285465-T-G.
Other names: c.69A>C, p.Lys23Asn (NM_001425299.1, NM_001425300.1, NM_001425301.1 and 8 more transcripts); c.-488A>C (NM_001425311.1); c.-541+409A>C (NM_001243251.2); c.69A>C (NM_024678.5); short protein forms K23N.
Identifiers: ClinVar variation 2958302 (VCV002958302.2), dbSNP rs763911960, ClinGen allele CA6205986.